The following is an entry in ClinVar:

ClinVar aggregate classification (germline): Uncertain significance (1 of 4 stars; one submission).

gnomAD v4.1: 2 of 1,582,414 alleles (0.00013%); highest among the groups gnomAD compares: African/African-American, 0.0027%; no homozygotes.

Submission:

Labcorp Genetics (formerly Invitae), Labcorp
Classification: Uncertain significance. Last evaluated: 2025-07-28. Review status: criteria provided, single submitter. Criteria: Invitae Variant Classification Sherloc (09022015). Collection method: clinical testing. Allele origin: germline.
Comment: This sequence change replaces valine, which is neutral and non-polar, with leucine, which is neutral and non-polar, at codon 420 of the CLCN7 protein (p.Val420Leu). This variant is not present in population databases (gnomAD no frequency). This variant has not been reported in the literature in individuals affected with CLCN7-related conditions. An algorithm developed to predict the effect of missense changes on protein structure and function (PolyPhen-2) suggests that this variant is likely to be disruptive. In summary, the available evidence is currently insufficient to determine the role of this variant in disease. Therefore, it has been classified as a Variant of Uncertain Significance.

NM_001287.6(CLCN7):c.1258G>T (p.Val420Leu)

Gene: CLCN7 (Cl-/H+ antiporter 7; minus strand). Cytogenetic location: 16p13.3.
Variant type: single nucleotide variant.
Coding change: c.1258G>T on transcript NM_001287.6 (MANE Select); coding-DNA position 1258, G replaced by T.
Protein change: p.Val420Leu; replaces valine 420 with leucine.
Molecular consequence: missense variant.
Genome position (GRCh38, 1-based): chr16:1,452,850, C>A on the plus strand (G>T on the coding strand, the complement: CLCN7 is on the minus strand). VCF-style: chr16-1452850-C-A. GRCh37 (hg19) VCF-style: chr16-1502851-C-A.
Other names: c.1186G>T, p.Val396Leu (NM_001114331.3); short protein forms V396L, V420L.
Identifiers: ClinVar variation 4764290 (VCV004764290.1).